The following is an entry in ClinVar:

NM_000044.6(AR):c.2270A>G (p.Asn757Ser)

Gene: AR (androgen receptor; plus strand). Cytogenetic location: Xq12.
Variant type: single nucleotide variant.
Coding change: c.2270A>G on transcript NM_000044.6 (MANE Select); coding-DNA position 2270, A replaced by G.
Protein change: p.Asn757Ser; replaces asparagine 757 with serine.
Molecular consequence: missense variant.
Genome position (GRCh38, 1-based): chrX:67,717,574, A>G. VCF-style: chrX-67717574-A-G. GRCh37 (hg19) VCF-style: chrX-66937416-A-G.
Other names: c.674A>G, p.Asn225Ser (NM_001011645.3); short protein forms N225S, N757S.
Identifiers: ClinVar variation 2572770 (VCV002572770.10), dbSNP rs141425171, ClinGen allele CA10436608.

ClinVar aggregate classification (germline): Pathogenic/Likely pathogenic. Review status: criteria provided, multiple submitters, no conflicts (2 of 4 stars). 7 submissions from 7 submitters: Pathogenic (4); Likely pathogenic (3). Last evaluated 2025-08-07.

Conditions:
Androgen resistance syndrome (AIS). Also called: ANDROGEN RECEPTOR DEFICIENCY; DHTR DEFICIENCY; Androgen insensitivity syndrome; DIHYDROTESTOSTERONE RECEPTOR DEFICIENCY; Androgen insensitivity, complete; Androgen insensitivity syndrome due to coactivator deficiency. Identifiers: Orphanet 754, Orphanet 99429, MedGen C0039585, MONDO:0019154, OMIM 300068. Disease mechanism: loss of function.
Hypospadias 1, X-linked (HYSP1). Identifiers: Orphanet 440, MedGen C2678098, MONDO:0010384, OMIM 300633.
Kennedy disease (SMAX1). Also called: SPINAL AND BULBAR MUSCULAR ATROPHY, X-LINKED 1; Spinal and Bulbar Muscular Atrophy; KENNEDY SPINAL AND BULBAR MUSCULAR ATROPHY. Identifiers: Orphanet 481, MedGen C1839259, MONDO:0010735, OMIM 313200.
Prostate cancer, hereditary, X-linked 3. Identifiers: MedGen C5935569, MONDO:0971170, OMIM 301120.
Partial androgen insensitivity syndrome (PAIS). Also called: Reifenstein syndrome, partial; Androgen resistance syndrome, partial; Type I familial incomplete male pseudohermaphroditism; ANDROGEN INSENSITIVITY, PARTIAL, WITH OR WITHOUT BREAST CANCER; Pseudohermaphroditism, Incomplete male, type I; Reifenstein syndrome. Identifiers: Orphanet 90797, MedGen C0268301, MONDO:0010720, OMIM 312300.
Male infertility. Identifiers: MedGen C0021364, MeSH D007248, MONDO:0005372, HP:0003251.
AR-related disorders.

Allele frequency attached by ClinVar (database versions not stated): TOPMed below 0.00001; gnomAD 0.00001; gnomAD exomes 0.00002; ESP Exome Variant Server 0.00009.
gnomAD v4.1: 11 of 1,210,630 alleles (0.00091%); highest among the groups gnomAD compares: East Asian, 0.003%; no homozygotes.

Submissions (7):

GeneDx
Classification: Pathogenic. Last evaluated: 2025-08-07. Review status: criteria provided, single submitter. Criteria: GeneDx Variant Classification Process June 2021. Collection method: clinical testing. Allele origin: germline. Affected: yes.
Comment: Published functional studies demonstrate that this variant results in abnormal transactivation (PMID: 11422119); Missense variants in this gene are a common cause of disease and they are underrepresented in the general population; Also known as p.(N756S); This variant is associated with the following publications: (PMID: 22412043, 8723113, 11422119, 37493574, 31277073)

Labcorp Genetics (formerly Invitae), Labcorp
Classification: Pathogenic for Kennedy disease; Androgen resistance syndrome. Last evaluated: 2025-05-16. Review status: criteria provided, single submitter. Criteria: Invitae Variant Classification Sherloc (09022015). Collection method: clinical testing. Allele origin: germline.
Comment: This sequence change replaces asparagine, which is neutral and polar, with serine, which is neutral and polar, at codon 757 of the AR protein (p.Asn757Ser). This variant is present in population databases (rs141425171, gnomAD 0.004%). This missense change has been observed in individuals with androgen insensitivity syndrome (PMID: 8723113, 11422119, 22412043, 31277073). This variant is also known as 756Asp-Ser and N756S. ClinVar contains an entry for this variant (Variation ID: 2572770). Invitae Evidence Modeling of protein sequence and biophysical properties (such as structural, functional, and spatial information, amino acid conservation, physicochemical variation, residue mobility, and thermodynamic stability) has been performed for this missense variant. However, the output from this modeling did not meet the statistical confidence thresholds required to predict the impact of this variant on AR protein function. Experimental studies have shown that this missense change affects AR function (PMID: 11422119). This variant disrupts the p.Asn757 amino acid residue in AR. Other variant(s) that disrupt this residue have been observed in individuals with AR-related conditions (PMID: 11422119, 35974208), which suggests that this may be a clinically significant amino acid residue. For these reasons, this variant has been classified as Pathogenic.

Revvity Omics, Revvity
Classification: Likely pathogenic. Last evaluated: 2024-08-06. Review status: criteria provided, single submitter. Criteria: ACMG Guidelines, 2015. Collection method: clinical testing. Allele origin: germline.

Fulgent Genetics
Classification: Likely pathogenic for Androgen resistance syndrome; Hypospadias 1, X-linked; Prostate cancer, hereditary, X-linked 3; Partial androgen insensitivity syndrome; Kennedy disease. Last evaluated: 2024-04-04. Review status: criteria provided, single submitter. Criteria: ACMG Guidelines, 2015. Collection method: clinical testing. Allele origin: germline.

Women's Health and Genetics/Laboratory Corporation of America, LabCorp
Classification: Likely pathogenic for Androgen resistance syndrome. Last evaluated: 2024-04-04. Review status: criteria provided, single submitter. Criteria: LabCorp Variant Classification Summary - May 2015. Collection method: clinical testing. Allele origin: germline.
Comment: Variant summary: AR c.2270A>G (p.Asn757Ser) results in a conservative amino acid change in the encoded protein sequence. Three of five in-silico tools predict a damaging effect of the variant on protein function. The variant allele was found at a frequency of 2.2e-05 in 183056 control chromosomes. c.2270A>G has been reported in the literature in individuals affected with Androgen Resistance Syndrome or related diseases. These data indicate that the variant may be associated with disease. At least one publication reports experimental evidence evaluating an impact on protein function. The most pronounced variant effect results in 46% of normal activity (Giwercman_2002). The following publications have been ascertained in the context of this evaluation (PMID: 11422119, 22412043, 8723113, 31277073). ClinVar contains an entry for this variant (Variation ID: 2572770). Based on the evidence outlined above, the variant was classified as likely pathogenic.

Institute of Reproductive Genetics, University of Münster
Classification: Pathogenic for Male infertility. Last evaluated: 2024-01-16. Review status: criteria provided, single submitter. Criteria: Uk Practice Guidelines For Variant Classification V4 01 2020. Collection method: research, in vitro. Allele origin: germline, not applicable. Observed: 1 variant allele, 1 hemizygote.

Blueprint Genetics
Classification: Pathogenic for AR-related disorders. Last evaluated: 2020-07-17. Review status: criteria provided, single submitter. Criteria: ACMG Guidelines, 2015. Collection method: clinical testing. Allele origin: germline. Affected: yes. Observed: 2 variant alleles.

Literature cited by the submitters: PubMed 8723113 (cited by Labcorp Genetics (formerly Invitae), Labcorp); PubMed 11422119 (cited by Labcorp Genetics (formerly Invitae), Labcorp); PubMed 22412043 (cited by Labcorp Genetics (formerly Invitae), Labcorp); PubMed 31277073 (cited by Labcorp Genetics (formerly Invitae), Labcorp); PubMed 35974208 (cited by Labcorp Genetics (formerly Invitae), Labcorp).